The following continues an entry in ClinVar:

NM_005055.5(RAPSN):c.264C>A (p.Asn88Lys)

Gene: RAPSN. ClinVar aggregate classification (germline): Pathogenic/Likely pathogenic. Pathogenic (39); Likely pathogenic (4).

Submissions 13 to 30 of 53:

Fulgent Genetics
Classification: Pathogenic for Congenital myasthenic syndrome 11; Fetal akinesia deformation sequence 2. Last evaluated: 2024-06-21. Review status: criteria provided, single submitter. Criteria: ACMG Guidelines, 2015. Collection method: clinical testing. Allele origin: germline.

Rady Children's Institute for Genomic Medicine, Rady Children's Hospital San Diego
Classification: Pathogenic for RAPSN-related disorders. Last evaluated: 2024-05-04. Review status: criteria provided, single submitter. Criteria: ACMG Guidelines, 2015. Collection method: clinical testing. Allele origin: germline. Affected: yes.
Comment: The c.264C>A (p.Asn88Lys) variant affects a highly conserved amino acid and is predicted by multiple in silico tools to have a deleterious effect on protein function. This variant has been previously reported as a compound heterozygous and homozygous change in patients with congenital myasthenic syndrome (PMID: 11791205, 12730725, 15036330, 15482960, 14659409, 26927095, 16945936). Functional studies have confirmed this variant leads to reduce co-localization with acetylcholine receptor, leading to a less stable protein (PMID: 16945936). The c.264C>A (p.Asn88Lys) variant is present in the gnomAD v4 population database at a frequency of 0.2% (3271/1613992) in the heterozygous state and in one individual in the homozygous state. Based on the available evidence, c.264C>A (p.Asn88Lys) is classified as Pathogenic.

Institute of Human Genetics Munich, TUM University Hospital
Classification: Pathogenic for Congenital myasthenic syndrome 11. Last evaluated: 2024-04-09. Review status: criteria provided, single submitter. Criteria: Classification criteria August 2017. Collection method: clinical testing. Allele origin: germline. Inheritance: Autosomal recessive inheritance. Affected: yes. Observed: 1 variant allele.

Daryl Scott Lab, Baylor College of Medicine
Classification: Pathogenic for RAPSN-related disorder. Last evaluated: 2024-04-01. Review status: criteria provided, single submitter. Criteria: ACMG Guidelines, 2015. Collection method: clinical testing. Allele origin: maternal. Observed: 1 heterozygote.
Comment: PS3, PS4, PM3, PP3

Baylor Genetics
Classification: Pathogenic for Fetal akinesia deformation sequence 2. Last evaluated: 2024-03-30. Review status: criteria provided, single submitter. Criteria: ACMG Guidelines, 2015. Collection method: clinical testing. Allele origin: unknown.

Mayo Clinic Laboratories, Mayo Clinic
Classification: Pathogenic. Last evaluated: 2023-12-08. Review status: criteria provided, single submitter. Criteria: ACMG Guidelines, 2015. Collection method: clinical testing. Allele origin: germline. Observed: 1 variant allele.
Comment: PM3, PS3, PS4

Equipe Genetique des Anomalies du Developpement, Université de Bourgogne
Classification: Pathogenic for Congenital myasthenic syndrome 11. Last evaluated: 2023-03-29. Review status: criteria provided, single submitter. Criteria: ACMG Guidelines, 2015. Collection method: clinical testing. Allele origin: maternal. Inheritance: Autosomal recessive inheritance. Affected: yes.
Comment: This variant was observed in heterozygosity with variant c.123del

Clinical Genetics Laboratory, Skane University Hospital Lund
Classification: Pathogenic. Last evaluated: 2023-01-25. Review status: criteria provided, single submitter. Criteria: ACMG Guidelines, 2015. Collection method: clinical testing. Allele origin: germline. Affected: yes.

Department of Pathology and Laboratory Medicine, Sinai Health System
Classification: Pathogenic for Congenital myasthenic syndrome 11; Fetal akinesia deformation sequence 2. Last evaluated: 2023-01-20. Review status: criteria provided, single submitter. Criteria: ACMG Guidelines, 2015. Collection method: research. Allele origin: germline.

Laboratory of Medical Genetics, National & Kapodistrian University of Athens
Classification: Pathogenic for Congenital myasthenic syndrome 11. Last evaluated: 2022-10-10. Review status: criteria provided, single submitter. Criteria: ACMG Guidelines, 2015. Collection method: clinical testing. Allele origin: germline. Affected: yes.
Comment: PS3, PM1, PM2, PP3, PP5

MGZ Medical Genetics Center
Classification: Pathogenic for Congenital myasthenic syndrome 11. Last evaluated: 2022-07-28. Review status: criteria provided, single submitter. Criteria: ACMG Guidelines, 2015. Collection method: clinical testing. Allele origin: germline. Affected: yes. Observed: 2 variant alleles.
Comment: ACMG criteria applied: PS3, PM3_STR, PP1, PP3

Genetics and Genomic Medicine Centre, NeuroGen Healthcare, NeuroGen Healthcare
Classification: Pathogenic for Congenital myasthenic syndrome 11. Last evaluated: 2022-02-07. Review status: criteria provided, single submitter. Criteria: Submitter's publication. Collection method: clinical testing. Allele origin: unknown. Affected: no.

Victorian Clinical Genetics Services, Murdoch Childrens Research Institute
Classification: Pathogenic for Congenital myasthenic syndrome 11. Last evaluated: 2022-02-02. Review status: criteria provided, single submitter. Criteria: ACMG Guidelines, 2015. Collection method: clinical testing. Allele origin: germline. Inheritance: Autosomal recessive inheritance. Affected: yes.
Comment: Based on the classification scheme VCGS_Germline_v1.3.4, this variant is classified as Pathogenic. Following criteria are met: 0102 - Loss of function is a known mechanism of disease in this gene and is associated with fetal akinesia deformation sequence 2 (MIM#618388) and congenital myasthenic syndrome 11 associated with acetylcholine receptor deficiency (MIM#616326). (I) 0106 - This gene is associated with autosomal recessive disease. (I) 0200 - Variant is predicted to result in a missense amino acid change from asparagine to lysine. (I) 0251 - This variant is heterozygous. (I) 0304 - Variant is present in gnomAD <0.01 for a recessive condition (v2: 429 heterozygotes, 0 homozygotes). (SP) 0502 - Missense variant with conflicting in silico predictions and uninformative conservation. (I) 0604 - Variant is not located in an established domain, motif, hotspot or informative constraint region. (I) 0801 - This variant has very strong previous evidence of pathogenicity in unrelated individuals. It is a well-known pathogenic variant, and it has been reported in multiple individuals with congenital myasthenic syndrome (ClinVar, PMID: 29054425). (I) Legend: (SP) - Supporting pathogenic, (I) - Information, (SB) - Supporting benign

Women's Health and Genetics/Laboratory Corporation of America, LabCorp
Classification: Pathogenic for Congenital myasthenic syndrome. Last evaluated: 2022-02-01. Review status: criteria provided, single submitter. Criteria: LabCorp Variant Classification Summary - May 2015. Collection method: clinical testing. Allele origin: germline.
Comment: Variant summary: RAPSN c.264C>A (p.Asn88Lys) results in a non-conservative amino acid change located in the Tetratricopeptide repeat (IPR019734) of the encoded protein sequence. Five of five in-silico tools predict a damaging effect of the variant on protein function. The variant allele was found at a frequency of 0.0016 in 250910 control chromosomes (gnomAD). This frequency is not higher than expected for a pathogenic variant in RAPSN causing Congenital Myasthenic Syndrome (0.0016 vs 0.0016). c.264C>A has been reported in the literature in multiple homozygous and compound heterozygous individuals affected with Congenital Myasthenic Syndrome and is considered a European founder mutation (e.g. Ohno_2002, Maselli_2003, Richard_2003, Cossins_2006, Abicht_2012). These data indicate that the variant is very likely to be associated with disease. Experimental evidence evaluating an impact on protein function demonstrated the variant affects the association of rapsyn with AChR and dramatically reduces the stability of AChR clusters (Ohno_2002, Cossins_2006). Sixteen ClinVar submitters (evaluation after 2014) cite the variant as pathogenic/likely pathogenic and one ClinVar submitter (evaluation after 2014) cites it as uncertain significance. Based on the evidence outlined above, the variant was classified as pathogenic.

Ambry Genetics
Classification: Pathogenic for Inborn genetic diseases. Last evaluated: 2021-12-13. Review status: criteria provided, single submitter. Criteria: Ambry Variant Classification Scheme 2023. Collection method: clinical testing. Allele origin: germline.
Comment: The c.264C>A (p.N88K) alteration is located in exon 2 (coding exon 2) of the RAPSN gene. This alteration results from a C to A substitution at nucleotide position 264, causing the asparagine (N) at amino acid position 88 to be replaced by a lysine (K). Based on data from gnomAD, the A allele has an overall frequency of 0.15% (429/282254) total alleles studied. The highest observed frequency was 0.26% (332/128732) of European (non-Finnish) alleles. This alteration is the most common mutation causing congenital myasthenic syndrome in Europeans. It has been reported in many affected homozygotes and heterozygotes with a second RAPSN alteration (Ohno, 2002; Abicht, 2003; Dunne, 2003; Maselli, 2003; M&uuml;ller, 2003; Richard, 2003; M&uuml;ller, 2004; Cossins, 2006; Milone, 2009). This amino acid position is highly conserved in available vertebrate species. Functional studies demonstrated that the p.N88K alteration resulted in significantly reduced co-localization with the acetylcholine receptor (Ohno, 2002; Cossins, 2006). This alteration is predicted to be tolerated by in silico analysis. Based on the available evidence, this alteration is classified as pathogenic.

GeneDx
Classification: Pathogenic. Last evaluated: 2021-11-02. Review status: criteria provided, single submitter. Criteria: GeneDx Variant Classification Process June 2021. Collection method: clinical testing. Allele origin: germline. Affected: yes.
Comment: Published functional studies demonstrate a damaging effect, including diminished coclustering of AChR with rapsyn and impaired post-synaptic morphological development (Ohno et al., 2002; Cossins et al., 2006); In silico analysis, which includes protein predictors and evolutionary conservation, supports a deleterious effect; This variant is associated with the following publications: (PMID: 15328566, 12730725, 19620612, 25194721, 15482960, 11791205, 29053879, 16945936, 21228398, 12929188, 24319099, 20157724, 15286164, 26927095, 15036330, 12796535, 12807980, 17190963, 14659409, 21305573, 29189923, 29054425, 30266223, 30028532, 31226102, 27397848, 32070632, 31980526, 32403337, 31127727, 32528171)

Kariminejad - Najmabadi Pathology & Genetics Center
Classification: Likely pathogenic for Congenital myasthenic syndrome 11. Last evaluated: 2021-09-08. Review status: criteria provided, single submitter. Criteria: ACMG Guidelines, 2015. Collection method: clinical testing. Allele origin: germline. Inheritance: Autosomal recessive inheritance. Affected: yes.
Comment: PM1 PM2 PP5

CENTOGENE GmbH and LLC - Guiding Precision Medicine
Classification: Pathogenic for Congenital myasthenic syndrome 11. Last evaluated: 2021-08-20. Review status: criteria provided, single submitter. Criteria: ACMG Guidelines, 2015. Collection method: clinical testing. Allele origin: germline. Affected: yes.